The following is an entry in ClinVar:

NM_144670.6(A2ML1):c.976G>T (p.Glu326Ter)

Gene: A2ML1 (alpha-2-macroglobulin like 1; plus strand). Cytogenetic location: 12p13.31.
Variant type: single nucleotide variant.
Coding change: c.976G>T on transcript NM_144670.6 (MANE Select); coding-DNA position 976, G replaced by T.
Protein change: p.Glu326Ter; replaces glutamic acid 326 with a stop codon.
Molecular consequence: nonsense.
Genome position (GRCh38, 1-based): chr12:8,839,118, G>T. VCF-style: chr12-8839118-G-T. GRCh37 (hg19) VCF-style: chr12-8991714-G-T.
Other names: short protein forms E326*.
Identifiers: ClinVar variation 390434 (VCV000390434.6), dbSNP rs1007463257, ClinGen allele CA16606612.

ClinVar aggregate classification (germline): Conflicting classifications of pathogenicity. Review status: criteria provided, conflicting classifications (1 of 4 stars). 2 submissions from 2 submitters: Uncertain significance (1); Likely benign (1). Last evaluated 2025-06-01.

Allele frequency attached by ClinVar (database versions not stated): gnomAD 0.00001; TOPMed 0.00001; gnomAD exomes 0.00002.
gnomAD v4.1: 11 of 1,611,054 alleles (0.00068%); highest among the groups gnomAD compares: Admixed American, 0.012%; no homozygotes.

Submissions (2):

Labcorp Genetics (formerly Invitae), Labcorp
Classification: Uncertain significance. Last evaluated: 2025-06-01. Review status: criteria provided, single submitter. Criteria: Invitae Variant Classification Sherloc (09022015). Collection method: clinical testing. Allele origin: germline.
Comment: This sequence change creates a premature translational stop signal (p.Glu326*) in the A2ML1 gene. It is expected to result in an absent or disrupted protein product. However, the current clinical and genetic evidence is not sufficient to establish whether loss-of-function variants in A2ML1 cause disease. This variant is present in population databases (no rsID available, gnomAD 0.009%). This variant has not been reported in the literature in individuals affected with A2ML1-related conditions. ClinVar contains an entry for this variant (Variation ID: 390434). In summary, the available evidence is currently insufficient to determine the role of this variant in disease. Therefore, it has been classified as a Variant of Uncertain Significance.

GeneDx
Classification: Likely benign. Last evaluated: 2016-12-16. Review status: criteria provided, single submitter. Criteria: GeneDx Variant Classification (06012015). Collection method: clinical testing. Allele origin: germline. Affected: yes.
Comment: This variant is considered likely benign or benign based on one or more of the following criteria: it is a conservative change, it occurs at a poorly conserved position in the protein, it is predicted to be benign by multiple in silico algorithms, and/or has population frequency not consistent with disease.